The following is an entry in ClinVar:

NM_014324.6(AMACR):c.476T>C (p.Met159Thr)

Genes: AMACR (alpha-methylacyl-CoA racemase; minus strand), C1QTNF3-AMACR (C1QTNF3-AMACR readthrough (NMD candidate); minus strand). Cytogenetic location: 5p13.2.
Variant type: single nucleotide variant.
Coding change: c.476T>C on transcript NM_014324.6 (MANE Select); coding-DNA position 476, T replaced by C.
Protein change: p.Met159Thr; replaces methionine 159 with threonine.
Molecular consequence: missense variant. On other transcripts: intron variant (1).
Genome position (GRCh38, 1-based): chr5:34,004,650, A>G on the plus strand (T>C on the coding strand, the complement: AMACR is on the minus strand). VCF-style: chr5-34004650-A-G. GRCh37 (hg19) VCF-style: chr5-34004755-A-G.
Other names: c.476T>C, p.Met159Thr (NM_001167595.2); c.391+1106T>C (NM_203382.3); short protein forms M159T.
Identifiers: ClinVar variation 2077364 (VCV002077364.2), dbSNP rs147265006, ClinGen allele CA116870131.

ClinVar aggregate classification (germline): Uncertain significance (1 of 4 stars; one submission).

Conditions:
Alpha-methylacyl-CoA racemase deficiency (AMACRD). Also called: AMACR deficiency. Identifiers: Orphanet 79095, MedGen C3280428, MONDO:0013681, OMIM 614307. Disease mechanism: loss of function.

Allele frequency attached by ClinVar (database versions not stated): gnomAD 0.00001; TOPMed 0.00001.

Submission:

Labcorp Genetics (formerly Invitae), Labcorp
Classification: Uncertain significance for Alpha-methylacyl-CoA racemase deficiency. Last evaluated: 2023-08-16. Review status: criteria provided, single submitter. Criteria: Invitae Variant Classification Sherloc (09022015). Collection method: clinical testing. Allele origin: germline.
Comment: In summary, the available evidence is currently insufficient to determine the role of this variant in disease. Therefore, it has been classified as a Variant of Uncertain Significance. Advanced modeling of protein sequence and biophysical properties (such as structural, functional, and spatial information, amino acid conservation, physicochemical variation, residue mobility, and thermodynamic stability) performed at Invitae indicates that this missense variant is not expected to disrupt AMACR protein function. ClinVar contains an entry for this variant (Variation ID: 2077364). This variant has not been reported in the literature in individuals affected with AMACR-related conditions. This variant is not present in population databases (gnomAD no frequency). This sequence change replaces methionine, which is neutral and non-polar, with threonine, which is neutral and polar, at codon 159 of the AMACR protein (p.Met159Thr).